The following is an entry in ClinVar:

NM_004360.5(CDH1):c.1314A>G (p.Thr438=)

Gene: CDH1 (cadherin 1; plus strand). Cytogenetic location: 16q22.1.
Variant type: single nucleotide variant.
Coding change: c.1314A>G on transcript NM_004360.5 (MANE Select); coding-DNA position 1314, A replaced by G.
Protein change: p.Thr438=; no amino-acid change (threonine 438 retained).
Molecular consequence: synonymous variant. On other transcripts: 5 prime UTR variant (2), intron variant (1).
Genome position (GRCh38, 1-based): chr16:68,813,489, A>G. VCF-style: chr16-68813489-A-G. GRCh37 (hg19) VCF-style: chr16-68847392-A-G.
Other names: c.1314A>G (LRG_301t1); c.-302A>G (NM_001317185.2); c.-506A>G (NM_001317186.2); c.1137+1226A>G (NM_001317184.2).
Identifiers: ClinVar variation 183833 (VCV000183833.17), dbSNP rs547316616, ClinGen allele CA186669.

ClinVar aggregate classification (germline): Benign/Likely benign. Review status: criteria provided, multiple submitters, no conflicts (2 of 4 stars). 5 submissions from 5 submitters: Benign (2); Likely benign (3). Last evaluated 2024-09-18.

Conditions:
Hereditary cancer-predisposing syndrome. Also called: Tumor predisposition; Hereditary Cancer Syndrome; Hereditary neoplastic syndrome; Neoplastic Syndromes, Hereditary. Identifiers: Orphanet 140162, MedGen C0027672, MeSH D009386, MONDO:0015356.
Hereditary diffuse gastric adenocarcinoma (HDGC). Also called: DIFFUSE GASTRIC AND LOBULAR BREAST CANCER SYNDROME. Identifiers: Orphanet 26106, MedGen C1708349, MONDO:0007648, OMIM 137215.

Allele frequency attached by ClinVar (database versions not stated): gnomAD 0.00002; gnomAD exomes 0.00002 and 0.00008; ExAC 0.00010; 1000 Genomes Project 30x 0.00062; 1000 Genomes Project 0.00080.
gnomAD v4.1: 31 of 1,614,184 alleles (0.0019%); highest among the groups gnomAD compares: South Asian, 0.03%; no homozygotes.

Submissions (5):

Myriad Genetics, Inc.
Classification: Benign for Hereditary diffuse gastric adenocarcinoma. Last evaluated: 2024-09-18. Review status: criteria provided, single submitter. Criteria: Myriad Autosomal Dominant, Autosomal Recessive and X-Linked Classification Criteria (2023). Collection method: clinical testing. Allele origin: unknown.
Comment: This variant is considered benign. This variant is a silent/synonymous amino acid change and it is not expected to impact splicing.

Labcorp Genetics (formerly Invitae), Labcorp
Classification: Likely benign for Hereditary diffuse gastric adenocarcinoma. Last evaluated: 2024-05-15. Review status: criteria provided, single submitter. Criteria: Invitae Variant Classification Sherloc (09022015). Collection method: clinical testing. Allele origin: germline.

Ambry Genetics
Classification: Likely benign for Hereditary cancer-predisposing syndrome. Last evaluated: 2023-05-08. Review status: criteria provided, single submitter. Criteria: Ambry Variant Classification Scheme 2023. Collection method: clinical testing. Allele origin: germline.

Color Diagnostics, LLC DBA Color Health
Classification: Benign for Hereditary cancer-predisposing syndrome. Last evaluated: 2020-03-18. Review status: criteria provided, single submitter. Criteria: ACMG Guidelines, 2015. Collection method: clinical testing. Allele origin: germline.

GeneDx
Classification: Likely benign. Last evaluated: 2016-04-12. Review status: criteria provided, single submitter. Criteria: GeneDx Variant Classification (06012015). Collection method: clinical testing. Allele origin: germline. Affected: yes.
Comment: This variant is considered likely benign or benign based on one or more of the following criteria: it is a conservative change, it occurs at a poorly conserved position in the protein, it is predicted to be benign by multiple in silico algorithms, and/or has population frequency not consistent with disease.